The following is an entry in ClinVar:

NM_000135.4(FANCA):c.1169T>A (p.Leu390His)

Gene: FANCA (FA complementation group A; minus strand). Cytogenetic location: 16q24.3.
Variant type: single nucleotide variant.
Coding change: c.1169T>A on transcript NM_000135.4 (MANE Select); coding-DNA position 1169, T replaced by A.
Protein change: p.Leu390His; replaces leucine 390 with histidine.
Molecular consequence: missense variant.
Genome position (GRCh38, 1-based): chr16:89,791,983, A>T on the plus strand (T>A on the coding strand, the complement: FANCA is on the minus strand). VCF-style: chr16-89791983-A-T. GRCh37 (hg19) VCF-style: chr16-89858391-A-T.
Other names: c.1169T>A, p.Leu390His (NM_001286167.3); short protein forms L390H.
Identifiers: ClinVar variation 4870838 (VCV004870838.1).
Genomic context (GRCh38, chr16:89,791,983, plus strand): 5'-TCACCTTCAAGCAGCTGCTGCGCTTCTGGAAAGCAGACAACCAGGGCAGACACAAAGGAG[A>T]GCACTCTCTGCCAGTGAACCTCCTGCGTTTCCAGAACTTCTTGCAAATGGCCAACCAACT-3'
Protein context (NP_000126.2, residues 380-400): ETQEVHWQRV[Leu390His]SFVSALVVCF

ClinVar aggregate classification (germline): Uncertain significance (1 of 4 stars; one submission).

Conditions:
Inborn genetic diseases. Identifiers: MedGen C0950123, MeSH D030342.

Submission:

Ambry Genetics
Classification: Uncertain significance for Inborn genetic diseases. Last evaluated: 2026-04-15. Review status: criteria provided, single submitter. Criteria: Ambry Variant Classification Scheme 2023. Collection method: clinical testing. Allele origin: germline.
Comment: The p.L390H variant (also known as c.1169T>A), located in coding exon 13 of the FANCA gene, results from a T to A substitution at nucleotide position 1169. The leucine at codon 390 is replaced by histidine, an amino acid with similar properties. This amino acid position is conserved. In addition, this alteration is predicted to be deleterious by in silico analysis. Based on the available evidence, the clinical significance of this variant remains unclear.